The following is an entry in ClinVar:

ClinVar aggregate classification (germline): Likely benign (1 of 4 stars; one submission).

Allele frequency attached by ClinVar (database versions not stated): gnomAD exomes below 0.00001; TOPMed below 0.00001; gnomAD 0.00001.
gnomAD v4.1: 3 of 1,613,666 alleles (0.00019%); highest among the groups gnomAD compares: Non-Finnish European, 0.00025%; no homozygotes.

Submission:

CeGaT Center for Human Genetics Tuebingen
Classification: Likely benign. Last evaluated: 2022-03-01. Review status: criteria provided, single submitter. Criteria: CeGaT Center For Human Genetics Tuebingen Variant Classification Criteria Version 2. Collection method: clinical testing. Allele origin: germline. Affected: yes. Observed: 1 variant allele.
Comment: MRM2: BP4, BP7

NM_013393.3(MRM2):c.627A>G (p.Thr209=)

Gene: MRM2 (mitochondrial rRNA methyltransferase 2; minus strand). Cytogenetic location: 7p22.3.
Variant type: single nucleotide variant.
Coding change: c.627A>G on transcript NM_013393.3 (MANE Select); coding-DNA position 627, A replaced by G.
Protein change: p.Thr209=; no amino-acid change (threonine 209 retained).
Molecular consequence: synonymous variant.
Genome position (GRCh38, 1-based): chr7:2,235,236, T>C on the plus strand (A>G on the coding strand, the complement: MRM2 is on the minus strand). VCF-style: chr7-2235236-T-C. GRCh37 (hg19) VCF-style: chr7-2274871-T-C.
Identifiers: ClinVar variation 2657224 (VCV002657224.24), dbSNP rs1301590134, ClinGen allele CA453625174.
Genomic context (GRCh38, chr7:2,235,236, plus strand): 5'-TTCTGATGACTCTTTCCTGCTGGCTTCAGGTTTGATGATCCTTACATTCTGGAATTCCTC[T>C]GTCAGTCTCCTCTGTAACCGACGGCTTTGACTTCCAGCCCAGGTTTTACAAAGGAATGTC-3'
Protein context (NP_037525.1, residues 199-219): SQSRRLQRRL[Thr209=]EEFQNVRIIK